The following is an entry in ClinVar:

NM_001356.5(DDX3X):c.1299CCT[1] (p.Leu435del)

Gene: DDX3X (DEAD-box helicase 3 X-linked; plus strand). Cytogenetic location: Xp11.4.
Variant type: Microsatellite.
Coding change: c.1299CCT[1] on transcript NM_001356.5 (MANE Select); one copy of the 3-base unit CCT starting at c.1299; the reference has two copies in a row; one copy, 3 bases deleted.
Protein change: p.Leu435del; deletes leucine 435.
Molecular consequence: inframe deletion. On other transcripts: non-coding transcript variant (1).
Genome position (GRCh38, 1-based): chrX:41,345,535-41,345,537, CCT deleted; deleting any 3 consecutive bases within chrX:41,345,532-41,345,537 gives the same sequence; the position shown is the placement nearest the transcript's 3' end. VCF-style (leftmost placement, unchanged base first): chrX-41345531-ACCT-A. GRCh37 (hg19) VCF-style: chrX-41204784-ACCT-A.
Other names: c.1299CCT[1], p.Leu435del (NM_001193416.3); c.1251CCT[1], p.Leu419del (NM_001193417.3); c.741CCT[1], p.Leu249del (NM_001363819.1); short protein forms L249del, L419del, L435del.
Identifiers: ClinVar variation 1676929 (VCV001676929.2), dbSNP rs2147356805, ClinGen allele CA2580616998.

ClinVar aggregate classification (germline): Pathogenic (1 of 4 stars; one submission).

Submission:

GeneDx
Classification: Pathogenic. Last evaluated: 2022-03-28. Review status: criteria provided, single submitter. Criteria: GeneDx Variant Classification Process June 2021. Collection method: clinical testing. Allele origin: germline. Affected: yes.
Comment: Not observed at significant frequency in large population cohorts (gnomAD); In-frame deletion of 1 amino acid in a non-repeat region; In silico analysis supports a deleterious effect on protein structure/function; Has not been previously published as pathogenic or benign to our knowledge